The following is an entry in ClinVar:

NM_032638.5(GATA2):c.543G>A (p.Val181=)

Gene: GATA2 (GATA binding protein 2; minus strand). Cytogenetic location: 3q21.3.
Variant type: single nucleotide variant.
Coding change: c.543G>A on transcript NM_032638.5 (MANE Select); coding-DNA position 543, G replaced by A.
Protein change: p.Val181=; no amino-acid change (valine 181 retained).
Molecular consequence: synonymous variant.
Genome position (GRCh38, 1-based): chr3:128,486,055, C>T on the plus strand (G>A on the coding strand, the complement: GATA2 is on the minus strand). VCF-style: chr3-128486055-C-T. GRCh37 (hg19) VCF-style: chr3-128204898-C-T.
Other names: c.543G>A (NM_032638.4); c.543G>A, p.Val181= (NM_001145661.2, NM_001145662.1).
Identifiers: ClinVar variation 1664448 (VCV001664448.33), dbSNP rs547329727, ClinGen allele CA2600005.

ClinVar aggregate classification (germline): Likely benign. Review status: criteria provided, multiple submitters, no conflicts (2 of 4 stars). 3 submissions from 3 submitters: Likely benign (3). Last evaluated 2026-01-30.

Conditions:
Inborn genetic diseases. Identifiers: MedGen C0950123, MeSH D030342.
Deafness-lymphedema-leukemia syndrome. Also called: Lymphedema, primary, with myelodysplasia; Emberger syndrome. Identifiers: Orphanet 3226, MedGen C3279664, MONDO:0013540, OMIM 614038.
Monocytopenia with susceptibility to infections. Also called: MONOCYTOPENIA AND MYCOBACTERIAL INFECTION SYNDROME; MONOCYTOPENIA WITH SUSCEPTIBILITY TO MYCOBACTERIAL, FUNGAL, AND PAPILLOMAVIRUS INFECTIONS AND MYELODYSPLASIA; COMBINED IMMUNODEFICIENCY WITH SUSCEPTIBILITY TO MYCOBACTERIAL, VIRAL, AND FUNGAL INFECTIONS; GATA2 DEFICIENCY; IMMUNODEFICIENCY 21; Dendritic cell, monocyte, B lymphocyte, and natural killer lymphocyte deficiency. Identifiers: Orphanet 228423, MedGen C3280030, MONDO:0013607, OMIM 614172.

Allele frequency attached by ClinVar (database versions not stated): gnomAD 0.00001; gnomAD exomes 0.00001 and 0.00003; ExAC 0.00005; 1000 Genomes Project 30x 0.00016; 1000 Genomes Project 0.00020.

Submissions (3):

Labcorp Genetics (formerly Invitae), Labcorp
Classification: Likely benign for Monocytopenia with susceptibility to infections; Deafness-lymphedema-leukemia syndrome. Last evaluated: 2026-01-30. Review status: criteria provided, single submitter. Criteria: Invitae Variant Classification Sherloc (09022015). Collection method: clinical testing. Allele origin: germline.

Ambry Genetics
Classification: Likely benign for Inborn genetic diseases. Last evaluated: 2024-08-21. Review status: criteria provided, single submitter. Criteria: Ambry Variant Classification Scheme 2023. Collection method: clinical testing. Allele origin: germline.

CeGaT Center for Human Genetics Tuebingen
Classification: Likely benign. Last evaluated: 2022-12-01. Review status: criteria provided, single submitter. Criteria: CeGaT Center For Human Genetics Tuebingen Variant Classification Criteria Version 2. Collection method: clinical testing. Allele origin: germline. Affected: yes. Observed: 1 variant allele.
Comment: GATA2: BP4, BP7